The following is an entry in ClinVar:

NM_030948.6(PHACTR1):c.829A>G (p.Thr277Ala)

Gene: PHACTR1 (phosphatase and actin regulator 1; plus strand). Cytogenetic location: 6p24.1.
Variant type: single nucleotide variant.
Coding change: c.829A>G on transcript NM_030948.6 (MANE Select); coding-DNA position 829, A replaced by G.
Protein change: p.Thr277Ala; replaces threonine 277 with alanine.
Molecular consequence: missense variant.
Genome position (GRCh38, 1-based): chr6:13,205,979, A>G. VCF-style: chr6-13205979-A-G. GRCh37 (hg19) VCF-style: chr6-13206211-A-G.
Other names: c.829A>G, p.Thr277Ala (NM_001242648.4, NM_001322308.3, NM_001322309.3 and 1 more transcripts); c.1036A>G, p.Thr346Ala (NM_001322310.2, NM_001374582.1); c.553A>G, p.Thr185Ala (NM_001322311.2, NM_001322312.3, NM_001374583.2); c.760A>G, p.Thr254Ala (NM_001322313.2); c.1039A>G, p.Thr347Ala (NM_001322314.4); short protein forms T185A, T254A, T277A, T346A, T347A.
Identifiers: ClinVar variation 1695148 (VCV001695148.31), dbSNP rs1475314942, ClinGen allele CA362858946.

ClinVar aggregate classification (germline): Uncertain significance (1 of 4 stars; one submission).

Allele frequency attached by ClinVar (database versions not stated): gnomAD 0.00001; TOPMed 0.00001; gnomAD exomes 0.00002.
gnomAD v4.1: 30 of 1,613,882 alleles (0.0019%); highest among the groups gnomAD compares: Non-Finnish European, 0.0025%; no homozygotes.

Submission:

CeGaT Center for Human Genetics Tuebingen
Classification: Uncertain significance. Last evaluated: 2022-05-01. Review status: criteria provided, single submitter. Criteria: CeGaT Center For Human Genetics Tuebingen Variant Classification Criteria Version 2. Collection method: clinical testing. Allele origin: germline. Affected: yes. Observed: 1 variant allele.
Comment: PHACTR1: PM2, BP4